The following is an entry in ClinVar:

NM_001127222.2(CACNA1A):c.571_578delinsGAACT (p.Leu191_Thr193delinsGluLeu)

Gene: CACNA1A (calcium voltage-gated channel subunit alpha1 A; minus strand). Cytogenetic location: 19p13.13.
Variant type: Indel.
Coding change: c.571_578delinsGAACT on transcript NM_001127222.2 (MANE Select); coding-DNA positions 571 to 578, CTACGGAC replaced by GAACT.
Protein change: p.Leu191_Thr193delinsGluLeu.
Molecular consequence: inframe indel.
Genome position (GRCh38, 1-based): chr19:13,371,741-13,371,748, GTCCGTAG replaced by AGTTC on the plus strand (CTACGGAC replaced by GAACT on the coding strand, the reverse complement: CACNA1A is on the minus strand). VCF-style: chr19-13371741-GTCCGTAG-AGTTC. GRCh37 (hg19) VCF-style: chr19-13482555-GTCCGTAG-AGTTC.
Other names: c.571_578delCTACGGACinsGAACT (NM_001127221.1); c.571_578delinsGAACT, p.Leu191_Thr193delinsGluLeu (NM_000068.4, NM_001127221.2, NM_001174080.2 and 1 more transcripts).
Identifiers: ClinVar variation 421493 (VCV000421493.1), dbSNP rs1064795173, ClinGen allele CA16620801.

ClinVar aggregate classification (germline): Uncertain significance (1 of 4 stars; one submission).

Submission:

GeneDx
Classification: Uncertain significance. Last evaluated: 2016-06-21. Review status: criteria provided, single submitter. Criteria: GeneDx Variant Classification (06012015). Collection method: clinical testing. Allele origin: germline. Affected: yes.
Comment: The c.571_578delCTACGGACinsGAACT variant in the CACNA1A gene has not been reported previously as a pathogenic variant nor as a benign variant, to our knowledge. This variant results in an in-frame deletion of three amino acids and insertion of two incorrect amino acids denoted p.Leu191_Thr193delinsGluLeu. The c.571_578delCTACGGACinsGAACT variant was not observed in approximately 6100 individuals of European and African American ancestry in the NHLBI Exome Sequencing Project, indicating it is not a common benign variant in these populations. We interpret c.571_578delCTACGGACinsGAACT as a variant of uncertain significance.